The following is an entry in ClinVar:

ClinVar aggregate classification (germline): Uncertain significance. Review status: criteria provided, multiple submitters, no conflicts (2 of 4 stars). 3 submissions from 3 submitters: Uncertain significance (3). Last evaluated 2026-01-07.

Conditions:
Tuberous sclerosis 2 (TSC2). Identifiers: Orphanet 805, MedGen C1860707, MONDO:0013199, OMIM 613254.
Hereditary cancer-predisposing syndrome. Also called: Tumor predisposition; Neoplastic Syndromes, Hereditary; Hereditary neoplastic syndrome; Hereditary Cancer Syndrome. Identifiers: Orphanet 140162, MedGen C0027672, MeSH D009386, MONDO:0015356.

Submissions (3):

Dasa
Classification: Uncertain significance for Tuberous sclerosis 2. Last evaluated: 2026-01-07. Review status: criteria provided, single submitter. Criteria: DASA Assertion Criteria. Collection method: clinical testing. Allele origin: germline.
Comment: NM_000548.5(TSC2):c.4972A>G (p.Lys1658Glu) is a missense variant that results in the substitution of lysine with glutamic acid. This variant is absent from population databases. The currently available literature and clinical evidence are not sufficient to establish a definitive association between this variant and the reported condition. Therefore, this variant is classified as a variant of uncertain significance.

Labcorp Genetics (formerly Invitae), Labcorp
Classification: Uncertain significance for Tuberous sclerosis 2. Last evaluated: 2025-12-17. Review status: criteria provided, single submitter. Criteria: Invitae Variant Classification Sherloc (09022015). Collection method: clinical testing. Allele origin: germline.
Comment: This sequence change replaces lysine, which is basic and polar, with glutamic acid, which is acidic and polar, at codon 1658 of the TSC2 protein (p.Lys1658Glu). This variant is not present in population databases (gnomAD no frequency). This variant has not been reported in the literature in individuals affected with TSC2-related conditions. ClinVar contains an entry for this variant (Variation ID: 999616). Invitae Evidence Modeling of protein sequence and biophysical properties (such as structural, functional, and spatial information, amino acid conservation, physicochemical variation, residue mobility, and thermodynamic stability) indicates that this missense variant is not expected to disrupt TSC2 protein function with a negative predictive value of 95%. In summary, the available evidence is currently insufficient to determine the role of this variant in disease. Therefore, it has been classified as a Variant of Uncertain Significance.

Ambry Genetics
Classification: Uncertain significance for Hereditary cancer-predisposing syndrome. Last evaluated: 2024-02-24. Review status: criteria provided, single submitter. Criteria: Ambry Variant Classification Scheme 2023. Collection method: clinical testing. Allele origin: germline.
Comment: The p.K1658E variant (also known as c.4972A>G), located in coding exon 37 of the TSC2 gene, results from an A to G substitution at nucleotide position 4972. The lysine at codon 1658 is replaced by glutamic acid, an amino acid with similar properties. This amino acid position is conserved. In addition, this alteration is predicted to be deleterious by in silico analysis. Based on the available evidence, the clinical significance of this alteration remains unclear.

NM_000548.5(TSC2):c.4972A>G (p.Lys1658Glu)

Gene: TSC2 (TSC complex subunit 2; plus strand). Cytogenetic location: 16p13.3.
Variant type: single nucleotide variant.
Coding change: c.4972A>G on transcript NM_000548.5 (MANE Select); coding-DNA position 4972, A replaced by G.
Protein change: p.Lys1658Glu; replaces lysine 1658 with glutamic acid.
Molecular consequence: missense variant.
Genome position (GRCh38, 1-based): chr16:2,086,854, A>G. VCF-style: chr16-2086854-A-G. GRCh37 (hg19) VCF-style: chr16-2136855-A-G.
Other names: c.4771A>G, p.Lys1591Glu (NM_001077183.3); c.4903A>G, p.Lys1635Glu (NM_001114382.3); c.4663A>G, p.Lys1555Glu (NM_001318827.2); c.4627A>G, p.Lys1543Glu (NM_001318829.2); c.4240A>G, p.Lys1414Glu (NM_001318831.2); c.4804A>G, p.Lys1602Glu (NM_001318832.2); c.4774A>G, p.Lys1592Glu (NM_001363528.2); c.4840A>G, p.Lys1614Glu (NM_001370404.1); and 2 more; short protein forms K1414E, K1543E, K1555E, K1591E, K1592E, K1602E, K1614E, K1615E.
Identifiers: ClinVar variation 999616 (VCV000999616.10), dbSNP rs2090867792, ClinGen allele CA394309094.